The following is an entry in ClinVar:

NM_001142800.2(EYS):c.403_404del (p.Thr135fs)

Gene: EYS (EGF-like photoreceptor maintenance factor; minus strand). Cytogenetic location: 6q12.
Variant type: Microsatellite.
Coding change: c.403_404del on transcript NM_001142800.2 (MANE Select); coding-DNA positions 403 to 404, 2 bases deleted (AC; older notation c.403_404delAC).
Protein change: p.Thr135fs; shifts the reading frame from threonine 135.
Molecular consequence: frameshift variant.
Genome position (GRCh38, 1-based): chr6:65,495,007-65,495,008, GT deleted on the plus strand (AC on the coding strand, the reverse complement: EYS is on the minus strand); deleting any 2 consecutive bases within chr6:65,495,007-65,495,011 gives the same sequence; the c. name uses the placement nearest the transcript's 3' end. VCF-style (leftmost placement, unchanged base first): chr6-65495006-AGT-A. GRCh37 (hg19) VCF-style: chr6-66204899-AGT-A.
Other names: c.403_404del, p.Thr135fs (NM_001142801.2, NM_001292009.2, NM_198283.2); c.403_404del (NM_001142800.1); short protein forms T135fs.
Identifiers: ClinVar variation 1454322 (VCV001454322.7), dbSNP rs2127271339, ClinGen allele CA2580617287.

ClinVar aggregate classification (germline): Pathogenic. Review status: criteria provided, multiple submitters, no conflicts (2 of 4 stars). 2 submissions from 2 submitters: Pathogenic (2). Last evaluated 2024-08-07.

Conditions:
Retinitis pigmentosa 25 (RP25). Identifiers: Orphanet 791, MedGen C1864446, MONDO:0011272, OMIM 602772.

Submissions (2):

Natera, Inc.
Classification: Pathogenic for Retinitis pigmentosa type 25. Last evaluated: 2024-08-07. Review status: criteria provided, single submitter. Criteria: Natera Variant Classification Schema (03/2026). Collection method: clinical testing. Allele origin: germline.
Comment: The c.403_404del variant in EYS is a frameshift variant predicted to shift the reading frame beginning at codon 135 and leads to a stop codon 2 codons downstream. This variant is expected to result in nonsense mediated decay, truncation, or a dysfunctional protein product. This variant is rare in the general population with a frequency below the threshold expected for the associated phenotype(s). This variant has been observed in one or more individuals affected with the associated recessive disease, as either homozygous or compound heterozygous with a second variant (PMID: 20375346). Additionally, this variant has been observed to segregate in affected family members (PMID: 20375346). Given the available evidence, this variant is classified as Pathogenic.

Labcorp Genetics (formerly Invitae), Labcorp
Classification: Pathogenic. Last evaluated: 2023-10-14. Review status: criteria provided, single submitter. Criteria: Invitae Variant Classification Sherloc (09022015). Collection method: clinical testing. Allele origin: germline.
Comment: This sequence change creates a premature translational stop signal (p.Thr135Cysfs*2) in the EYS gene. It is expected to result in an absent or disrupted protein product. Loss-of-function variants in EYS are known to be pathogenic (PMID: 18836446, 20333770). This variant is not present in population databases (gnomAD no frequency). This variant has not been reported in the literature in individuals affected with EYS-related conditions. For these reasons, this variant has been classified as Pathogenic.

Literature cited by the submitters: PubMed 20375346 (cited by Natera, Inc.); PubMed 18836446 (cited by Labcorp Genetics (formerly Invitae), Labcorp); PubMed 20333770 (cited by Labcorp Genetics (formerly Invitae), Labcorp).